The following is an entry in ClinVar:

NM_006662.3(SRCAP):c.1066T>G (p.Ser356Ala)

Gene: SRCAP (Snf2 related CREBBP activator protein; plus strand). Cytogenetic location: 16p11.2.
Variant type: single nucleotide variant.
Coding change: c.1066T>G on transcript NM_006662.3 (MANE Select); coding-DNA position 1066, T replaced by G.
Protein change: p.Ser356Ala; replaces serine 356 with alanine.
Molecular consequence: missense variant.
Genome position (GRCh38, 1-based): chr16:30,710,060, T>G. VCF-style: chr16-30710060-T-G. GRCh37 (hg19) VCF-style: chr16-30721381-T-G.
Other names: short protein forms S356A.
Identifiers: ClinVar variation 1308432 (VCV001308432.2), dbSNP rs2151287569, ClinGen allele CA395602734.

ClinVar aggregate classification (germline): Uncertain significance (1 of 4 stars; one submission).

Submission:

GeneDx
Classification: Uncertain significance. Last evaluated: 2019-04-05. Review status: criteria provided, single submitter. Criteria: GeneDx Variant Classification Process June 2021. Collection method: clinical testing. Allele origin: germline. Affected: yes.
Comment: Not observed at a significant frequency in large population cohorts (Lek et al., 2016); In silico analysis, which includes protein predictors and evolutionary conservation, supports that this variant does not alter protein structure/function; In silico analysis, which includes splice predictors and evolutionary conservation, suggests this variant may impact gene splicing. In the absence of RNA/functional studies, the actual effect of this sequence change is unknown.; Has not been previously published as pathogenic or benign to our knowledge